The following is an entry in ClinVar:

NM_024312.5(GNPTAB):c.3602+8C>A

Gene: GNPTAB (N-acetylglucosamine-1-phosphate transferase subunits alpha and beta; minus strand). Cytogenetic location: 12q23.2.
Variant type: single nucleotide variant.
Coding change: c.3602+8C>A on transcript NM_024312.5 (MANE Select); 8 bases into the intron after coding-DNA position 3602, C replaced by A.
Molecular consequence: intron variant.
Genome position (GRCh38, 1-based): chr12:101,753,364, G>T on the plus strand (C>A on the coding strand, the complement: GNPTAB is on the minus strand). VCF-style: chr12-101753364-G-T. GRCh37 (hg19) VCF-style: chr12-102147142-G-T.
Identifiers: ClinVar variation 96122 (VCV000096122.38), dbSNP rs79493678, ClinGen allele CA149259.

ClinVar aggregate classification (germline): Benign. Review status: criteria provided, multiple submitters, no conflicts (2 of 4 stars). 13 submissions from 11 submitters: Benign (11). 2 of the submissions do not count toward it. Last evaluated 2026-02-04.

Conditions:
Pseudo-Hurler polydystrophy. Also called: MUCOLIPIDOSIS IIIA; ML III; ML III ALPHA/BETA; Type III Mucolipidosis; ML IIIA; Mucolipidosis III Alpha/Beta. Identifiers: Orphanet 423461, Orphanet 577, MedGen C0033788, MONDO:0018931, OMIM 252600.
Mucolipidosis type II. Also called: Mucolipidosis II Alpha/Beta; ML II ALPHA/BETA; Mucolipidosis 2; ML 2; Inclusion cell disease; Leroy Disease. Identifiers: Orphanet 576, MedGen C2673377, MONDO:0009650, OMIM 252500.

Allele frequency attached by ClinVar (database versions not stated): ESP Exome Variant Server 0.03383; 1000 Genomes Project 0.00938; ExAC 0.03404; 1000 Genomes Project 30x 0.00921; gnomAD exomes 0.03246 and 0.03956; TOPMed 0.02606; gnomAD 0.02883 and 0.02992.
gnomAD v4.1: 61,484 of 1,608,380 alleles (3.8%); highest among the groups gnomAD compares: Non-Finnish European, 4.5%; 1,412 homozygotes.

Submissions (13):

Labcorp Genetics (formerly Invitae), Labcorp
Classification: Benign for Pseudo-Hurler polydystrophy; Mucolipidosis type II. Last evaluated: 2026-02-04. Review status: criteria provided, single submitter. Criteria: Invitae Variant Classification Sherloc (09022015). Collection method: clinical testing. Allele origin: germline.

ARUP Laboratories, Molecular Genetics and Genomics, ARUP Laboratories
Classification: Benign. Last evaluated: 2023-11-09. Review status: criteria provided, single submitter. Criteria: ARUP Molecular Germline Variant Investigation Process 2024. Collection method: clinical testing. Allele origin: germline.

Genome-Nilou Lab
Classification: Benign for Mucolipidosis type II. Last evaluated: 2021-07-01. Review status: criteria provided, single submitter. Criteria: ACMG Guidelines, 2015. Collection method: clinical testing. Allele origin: germline. Affected: no.

Genome-Nilou Lab
Classification: Benign for Pseudo-Hurler polydystrophy. Last evaluated: 2021-07-01. Review status: criteria provided, single submitter. Criteria: ACMG Guidelines, 2015. Collection method: clinical testing. Allele origin: germline. Affected: no.

Women's Health and Genetics/Laboratory Corporation of America, LabCorp
Classification: Benign. Last evaluated: 2019-12-09. Review status: criteria provided, single submitter. Criteria: LabCorp Variant Classification Summary - May 2015. Collection method: clinical testing. Allele origin: germline.
Comment: Variant summary: GNPTAB c.3602+8C>A alters a nucleotide located close to a canonical splice site and therefore could affect mRNA splicing, leading to a significantly altered protein sequence. 5/5 computational tools predict no significant impact on normal splicing. However, these predictions have yet to be confirmed by functional studies. The variant allele was found at a frequency of 0.032 in 251282 control chromosomes in the gnomAD database, including 202 homozygotes. The observed variant frequency is approximately 14.52 fold of the estimated maximal expected allele frequency for a pathogenic variant in GNPTAB causing Mucolipidosis phenotype (0.0022), strongly suggesting that the variant is benign. To our knowledge, no occurrence of c.3602+8C>A in individuals affected with Mucolipidosis and no experimental evidence demonstrating its impact on protein function have been reported. Four ClinVar submissions (evaluation after 2014) cite the variant three times as benign and once as likely benign. Based on the evidence outlined above, the variant was classified as benign.

GeneDx
Classification: Benign. Last evaluated: 2018-09-26. Review status: criteria provided, single submitter. Criteria: GeneDx Variant Classification Process June 2021. Collection method: clinical testing. Allele origin: germline. Affected: yes.

Illumina Laboratory Services, Illumina
Classification: Benign for Mucolipidosis type II. Last evaluated: 2018-01-12. Review status: criteria provided, single submitter. Criteria: ICSL Variant Classification Criteria 13 December 2019. Collection method: clinical testing. Allele origin: germline.
Comment: This variant was observed in the ICSL laboratory as part of a predisposition screen in an ostensibly healthy population. It had not been previously curated by ICSL or reported in the Human Gene Mutation Database (HGMD: prior to June 1st, 2018), and was therefore a candidate for classification through an automated scoring system. Utilizing variant allele frequency, disease prevalence and penetrance estimates, and inheritance mode, an automated score was calculated to assess if this variant is too frequent to cause the disease. Based on the score and internal cut-off values, a variant classified as benign is not then subjected to further curation. The score for this variant resulted in a classification of benign for this disease.

Illumina Laboratory Services, Illumina
Classification: Benign for Pseudo-Hurler polydystrophy. Last evaluated: 2018-01-12. Review status: criteria provided, single submitter. Criteria: ICSL Variant Classification Criteria 13 December 2019. Collection method: clinical testing. Allele origin: germline.
Comment: the same text as in the submission from Illumina Laboratory Services, Illumina above.

Eurofins Ntd Llc (ga)
Classification: Benign. Last evaluated: 2015-12-08. Review status: criteria provided, single submitter. Criteria: EGL Classification Definitions 2015. Collection method: clinical testing. Allele origin: germline. Observed: 14 variant alleles, 13 heterozygotes, 1 homozygote.

Breakthrough Genomics
Classification: Benign. Review status: criteria provided, single submitter. Criteria: ACMG Guidelines, 2015. Collection method: not provided. Allele origin: germline. Inheritance: Autosomal recessive inheritance. Affected: yes.

PreventionGenetics, part of Exact Sciences
Classification: Benign. Review status: criteria provided, single submitter. Criteria: ACMG Guidelines, 2015. Collection method: clinical testing. Allele origin: germline.

Natera, Inc.
Classification: Benign for Mucolipidosis type II. Last evaluated: 2020-09-16. Review status: no assertion criteria provided. Collection method: clinical testing. Allele origin: germline. Not counted in ClinVar's aggregate classification.

Mayo Clinic Laboratories, Mayo Clinic
Classification: Benign. Last evaluated: 2017-05-01. Review status: no assertion criteria provided. Collection method: clinical testing. Allele origin: unknown. Not counted in ClinVar's aggregate classification.